The following is an entry in ClinVar:

NM_006030.4(CACNA2D2):c.1552-1G>C

Gene: CACNA2D2 (calcium voltage-gated channel auxiliary subunit alpha2delta 2; minus strand). Cytogenetic location: 3p21.31.
Variant type: single nucleotide variant.
Coding change: c.1552-1G>C on transcript NM_006030.4 (MANE Select); the canonical splice acceptor site of the intron before coding-DNA position 1552, G replaced by C.
Molecular consequence: splice acceptor variant.
Genome position (GRCh38, 1-based): chr3:50,377,542, C>G on the plus strand (G>C on the coding strand, the complement: CACNA2D2 is on the minus strand). VCF-style: chr3-50377542-C-G. GRCh37 (hg19) VCF-style: chr3-50414973-C-G.
Other names: c.1345-1G>C (NM_001291101.1); c.1552-1G>C (NM_001005505.3, NM_001410768.1, NM_001174051.3).
Identifiers: ClinVar variation 4728351 (VCV004728351.1).
Genomic context (GRCh38, chr3:50,377,542, plus strand): 5'-CAGCCTCTTGATGTCATTCAGAGCCACGTCAATGCCCATCACGCCCAGGATCAGCTGGTT[C>G]TGGGAGCAGAAGCATGGGGGGCTCCTCAGTGAGCTCAATTCCATGGGGAACCACCCTCCA-3'

ClinVar aggregate classification (germline): Likely pathogenic (1 of 4 stars; one submission).

Conditions:
Early-infantile DEE. Also called: Early infantile epileptic encephalopathy with suppression bursts; Ohtahara syndrome; Early infantile epileptic encephalopathy. Identifiers: Orphanet 1934, MedGen C0393706, MONDO:0800491.

gnomAD v4.1: 1 of 1,613,314 alleles (0.000062%); highest among the groups gnomAD compares: Non-Finnish European, 0.000085%; no homozygotes.

Submission:

Labcorp Genetics (formerly Invitae), Labcorp
Classification: Likely pathogenic for Early-infantile DEE. Last evaluated: 2025-10-02. Review status: criteria provided, single submitter. Criteria: Invitae Variant Classification Sherloc (09022015). Collection method: clinical testing. Allele origin: germline.
Comment: This sequence change affects an acceptor splice site in intron 16 of the CACNA2D2 gene. It is expected to disrupt RNA splicing. Variants that disrupt the donor or acceptor splice site typically lead to a loss of protein function (PMID: 16199547), and loss-of-function variants in CACNA2D2 are known to be pathogenic (PMID: 24358150). This variant is not present in population databases (gnomAD no frequency). This variant has not been reported in the literature in individuals affected with CACNA2D2-related conditions. Algorithms developed to predict the effect of sequence changes on RNA splicing suggest that this variant may disrupt the consensus splice site. In summary, the currently available evidence indicates that the variant is pathogenic, but additional data are needed to prove that conclusively. Therefore, this variant has been classified as Likely Pathogenic.

Literature cited by the submitters: PubMed 16199547; PubMed 24358150.